The following is an entry in ClinVar:

ClinVar aggregate classification (germline): Uncertain significance. Review status: criteria provided, multiple submitters, no conflicts (2 of 4 stars). 2 submissions from 2 submitters: Uncertain significance (2). Last evaluated 2023-03-01.

Conditions:
Emery-Dreifuss muscular dystrophy 4, autosomal dominant (EDMD4). Also called: EMERY-DREIFUSS MUSCULAR DYSTROPHY 4 WITH VARIABLE FEATURES. Identifiers: Orphanet 261, MedGen C2751807, MONDO:0013071, OMIM 612998.
Autosomal recessive ataxia, Beauce type. Also called: SYNE1 Deficiency; Spinocerebellar ataxia, autosomal recessive 8; ATAXIA, RECESSIVE, OF BEAUCE; SYNE1-Related Autosomal Recessive Cerebellar Ataxia. Identifiers: Orphanet 88644, MedGen C1853116, MONDO:0012549, OMIM 610743.

Allele frequency attached by ClinVar (database versions not stated): gnomAD 0.00001; gnomAD exomes 0.00001; TOPMed 0.00001; ExAC 0.00002.
gnomAD v4.1: 14 of 1,613,842 alleles (0.00087%); highest among the groups gnomAD compares: South Asian, 0.0066%; no homozygotes.

Submissions (2):

Revvity Omics, Revvity
Classification: Uncertain significance. Last evaluated: 2023-03-01. Review status: criteria provided, single submitter. Criteria: ACMG Guidelines, 2015. Collection method: clinical testing. Allele origin: germline.

Labcorp Genetics (formerly Invitae), Labcorp
Classification: Uncertain significance for Emery-Dreifuss muscular dystrophy 4, autosomal dominant; Autosomal recessive ataxia, Beauce type. Last evaluated: 2022-05-29. Review status: criteria provided, single submitter. Criteria: Invitae Variant Classification Sherloc (09022015). Collection method: clinical testing. Allele origin: germline.
Comment: This sequence change replaces glutamic acid, which is acidic and polar, with lysine, which is basic and polar, at codon 254 of the SYNE1 protein (p.Glu254Lys). This variant is present in population databases (rs756083475, gnomAD 0.01%). This variant has not been reported in the literature in individuals affected with SYNE1-related conditions. Algorithms developed to predict the effect of missense changes on protein structure and function are either unavailable or do not agree on the potential impact of this missense change (SIFT: "Deleterious"; PolyPhen-2: "Probably Damaging"; Align-GVGD: "Class C0"). In summary, the available evidence is currently insufficient to determine the role of this variant in disease. Therefore, it has been classified as a Variant of Uncertain Significance.

NM_182961.4(SYNE1):c.739G>A (p.Glu247Lys)

Gene: SYNE1 (spectrin repeat containing nuclear envelope protein 1; minus strand). Cytogenetic location: 6q25.2.
Variant type: single nucleotide variant.
Coding change: c.739G>A on transcript NM_182961.4 (MANE Select); coding-DNA position 739, G replaced by A.
Protein change: p.Glu247Lys; replaces glutamic acid 247 with lysine.
Molecular consequence: missense variant.
Genome position (GRCh38, 1-based): chr6:152,505,240, C>T on the plus strand (G>A on the coding strand, the complement: SYNE1 is on the minus strand). VCF-style: chr6-152505240-C-T. GRCh37 (hg19) VCF-style: chr6-152826375-C-T.
Other names: c.760G>A, p.Glu254Lys (NM_033071.5); short protein forms E247K, E254K.
Identifiers: ClinVar variation 2046951 (VCV002046951.6), dbSNP rs756083475, ClinGen allele CA4059643.